The following is an entry in ClinVar:

ClinVar aggregate classification (germline): Uncertain significance (1 of 4 stars; one submission).

Submission:

GeneDx
Classification: Uncertain significance. Last evaluated: 2023-12-11. Review status: criteria provided, single submitter. Criteria: GeneDx Variant Classification Process June 2021. Collection method: clinical testing. Allele origin: germline. Affected: yes.
Comment: Not observed at significant frequency in large population cohorts (gnomAD); Missense variants in this gene are a common cause of disease and they are underrepresented in the general population; In silico analysis supports that this missense variant does not alter protein structure/function; Has not been previously published as pathogenic or benign to our knowledge; This variant is associated with the following publications: (PMID: 27010057)

NM_178012.5(TUBB2B):c.1241A>C (p.Asn414Thr)

Gene: TUBB2B (tubulin beta 2B class IIb; minus strand). Cytogenetic location: 6p25.2.
Variant type: single nucleotide variant.
Coding change: c.1241A>C on transcript NM_178012.5 (MANE Select); coding-DNA position 1241, A replaced by C.
Protein change: p.Asn414Thr; replaces asparagine 414 with threonine.
Molecular consequence: missense variant.
Genome position (GRCh38, 1-based): chr6:3,224,848, T>G on the plus strand (A>C on the coding strand, the complement: TUBB2B is on the minus strand). VCF-style: chr6-3224848-T-G. GRCh37 (hg19) VCF-style: chr6-3225082-T-G.
Other names: short protein forms N414T.
Identifiers: ClinVar variation 3364599 (VCV003364599.1).